The following is an entry in ClinVar:

ClinVar aggregate classification (germline): Pathogenic (1 of 4 stars; one submission).

Conditions:
Maple syrup urine disease (MSUD). Identifiers: Orphanet 511, MedGen C0024776, MeSH D008375, MONDO:0009563. Disease mechanism: loss of function.

Submission:

Labcorp Genetics (formerly Invitae), Labcorp
Classification: Pathogenic for Maple syrup urine disease. Last evaluated: 2023-10-29. Review status: criteria provided, single submitter. Criteria: Invitae Variant Classification Sherloc (09022015). Collection method: clinical testing. Allele origin: germline.
Comment: This sequence change creates a premature translational stop signal (p.Ser146*) in the DBT gene. It is expected to result in an absent or disrupted protein product. Loss-of-function variants in DBT are known to be pathogenic (PMID: 16579849, 16786533). This variant is not present in population databases (gnomAD no frequency). This variant has not been reported in the literature in individuals affected with DBT-related conditions. For these reasons, this variant has been classified as Pathogenic.

Literature cited by the submitters: PubMed 16579849; PubMed 16786533.

NM_001918.5(DBT):c.437C>A (p.Ser146Ter)

Gene: DBT (dihydrolipoamide branched chain transacylase E2; minus strand). Cytogenetic location: 1p21.2.
Variant type: single nucleotide variant.
Coding change: c.437C>A on transcript NM_001918.5 (MANE Select); coding-DNA position 437, C replaced by A.
Protein change: p.Ser146Ter; replaces serine 146 with a stop codon.
Molecular consequence: nonsense. On other transcripts: 5 prime UTR variant (2), non-coding transcript variant (4).
Genome position (GRCh38, 1-based): chr1:100,218,744, G>T on the plus strand (C>A on the coding strand, the complement: DBT is on the minus strand). VCF-style: chr1-100218744-G-T. GRCh37 (hg19) VCF-style: chr1-100684300-G-T.
Other names: c.-107C>A (NM_001399969.1, NM_001399972.1); short protein forms S146*.
Identifiers: ClinVar variation 2772684 (VCV002772684.3), dbSNP rs2524165275, ClinGen allele CA341340719.